The following is an entry in ClinVar:

ClinVar aggregate classification (germline): Uncertain significance (1 of 4 stars; one submission).

Submission:

Ambry Genetics
Classification: Uncertain significance. Last evaluated: 2023-05-18. Review status: criteria provided, single submitter. Criteria: Ambry Variant Classification Scheme 2023. Collection method: clinical testing. Allele origin: germline.
Comment: The p.G1912V variant (also known as c.5735G>T), located in coding exon 8 of the ALPK2 gene, results from a G to T substitution at nucleotide position 5735. The glycine at codon 1912 is replaced by valine, an amino acid with dissimilar properties. This amino acid position is conserved. In addition, this alteration is predicted to be tolerated by in silico analysis. Since supporting evidence is limited at this time, the clinical significance of this alteration remains unclear.

NM_052947.4(ALPK2):c.5735G>T (p.Gly1912Val)

Gene: ALPK2 (alpha kinase 2; minus strand). Cytogenetic location: 18q21.31.
Variant type: single nucleotide variant.
Coding change: c.5735G>T on transcript NM_052947.4 (MANE Select); coding-DNA position 5735, G replaced by T.
Protein change: p.Gly1912Val; replaces glycine 1912 with valine.
Molecular consequence: missense variant.
Genome position (GRCh38, 1-based): chr18:58,517,113, C>A on the plus strand (G>T on the coding strand, the complement: ALPK2 is on the minus strand). VCF-style: chr18-58517113-C-A. GRCh37 (hg19) VCF-style: chr18-56184345-C-A.
Other names: short protein forms G1912V.
Identifiers: ClinVar variation 2564079 (VCV002564079.2), dbSNP rs2518862944, ClinGen allele CA402549032.